The following is an entry in ClinVar:

NM_001281740.3(FHOD3):c.3760-2A>C

Gene: FHOD3 (formin homology 2 domain containing 3; plus strand). Cytogenetic location: 18q12.2.
Variant type: single nucleotide variant.
Coding change: c.3760-2A>C on transcript NM_001281740.3 (MANE Select); the canonical splice acceptor site of the intron before coding-DNA position 3760, A replaced by C.
Molecular consequence: splice acceptor variant.
Genome position (GRCh38, 1-based): chr18:36,742,735, A>C. VCF-style: chr18-36742735-A-C. GRCh37 (hg19) VCF-style: chr18-34322698-A-C.
Other names: c.3235-2A>C (NM_025135.5); c.3184-2A>C (NM_001281739.3).
Identifiers: ClinVar variation 2663200 (VCV002663200.1), dbSNP rs2520766698, ClinGen allele CA402224850.

ClinVar aggregate classification (germline): Uncertain significance (1 of 4 stars; one submission).

Submission:

GeneDx
Classification: Uncertain significance. Last evaluated: 2023-05-05. Review status: criteria provided, single submitter. Criteria: GeneDx Variant Classification Process June 2021. Collection method: clinical testing. Allele origin: germline. Affected: yes.
Comment: Not observed at significant frequency in large population cohorts (gnomAD); Canonical splice site variant with an unclear effect on protein function; Has not been previously published as pathogenic or benign to our knowledge; Variants in candidate genes are classified as variants of uncertain significance in accordance with ACMG guidelines (Richards et al., 2015)